The following is an entry in ClinVar:

ClinVar aggregate classification (germline): Uncertain significance. Review status: criteria provided, multiple submitters, no conflicts (2 of 4 stars). 2 submissions from 2 submitters: Uncertain significance (2). Last evaluated 2024-04-10.

Conditions:
Hereditary cancer-predisposing syndrome. Also called: Neoplastic Syndromes, Hereditary; Tumor predisposition; Hereditary Cancer Syndrome; Hereditary neoplastic syndrome. Identifiers: Orphanet 140162, MedGen C0027672, MeSH D009386, MONDO:0015356.

Submissions (2):

Ambry Genetics
Classification: Uncertain significance for Hereditary cancer-predisposing syndrome. Last evaluated: 2024-04-10. Review status: criteria provided, single submitter. Criteria: Ambry Variant Classification Scheme 2023. Collection method: clinical testing. Allele origin: germline.
Comment: The p.F1435L variant (also known as c.4305C>G), located in coding exon 34 of the POLE gene, results from a C to G substitution at nucleotide position 4305. The phenylalanine at codon 1435 is replaced by leucine, an amino acid with highly similar properties. This amino acid position is conserved. In addition, this alteration is predicted to be tolerated by in silico analysis. Based on the available evidence, the clinical significance of this variant remains unclear.

Labcorp Genetics (formerly Invitae), Labcorp
Classification: Uncertain significance. Last evaluated: 2022-04-08. Review status: criteria provided, single submitter. Criteria: Invitae Variant Classification Sherloc (09022015). Collection method: clinical testing. Allele origin: germline.
Comment: In summary, the available evidence is currently insufficient to determine the role of this variant in disease. Therefore, it has been classified as a Variant of Uncertain Significance. Algorithms developed to predict the effect of missense changes on protein structure and function output the following: SIFT: "Tolerated"; PolyPhen-2: "Benign"; Align-GVGD: "Class C0". The leucine amino acid residue is found in multiple mammalian species, which suggests that this missense change does not adversely affect protein function. This variant has not been reported in the literature in individuals affected with POLE-related conditions. This variant is not present in population databases (gnomAD no frequency). This sequence change replaces phenylalanine, which is neutral and non-polar, with leucine, which is neutral and non-polar, at codon 1435 of the POLE protein (p.Phe1435Leu).

NM_006231.4(POLE):c.4305C>G (p.Phe1435Leu)

Gene: POLE (DNA polymerase epsilon, catalytic subunit; minus strand). Cytogenetic location: 12q24.33.
Variant type: single nucleotide variant.
Coding change: c.4305C>G on transcript NM_006231.4 (MANE Select); coding-DNA position 4305, C replaced by G.
Protein change: p.Phe1435Leu; replaces phenylalanine 1435 with leucine.
Molecular consequence: missense variant.
Genome position (GRCh38, 1-based): chr12:132,643,546, G>C on the plus strand (C>G on the coding strand, the complement: POLE is on the minus strand). VCF-style: chr12-132643546-G-C. GRCh37 (hg19) VCF-style: chr12-133220132-G-C.
Other names: c.4305C>G (NM_006231.2); short protein forms F1435L.
Identifiers: ClinVar variation 2112793 (VCV002112793.5), dbSNP rs752366142, ClinGen allele CA387381561.